The following is an entry in ClinVar:

NM_006206.6(PDGFRA):c.1769G>C (p.Arg590Thr)

Gene: PDGFRA (platelet derived growth factor receptor alpha; plus strand). Cytogenetic location: 4q12.
Variant type: single nucleotide variant.
Coding change: c.1769G>C on transcript NM_006206.6 (MANE Select); coding-DNA position 1769, G replaced by C.
Protein change: p.Arg590Thr; replaces arginine 590 with threonine.
Molecular consequence: missense variant.
Genome position (GRCh38, 1-based): chr4:54,274,956, G>C. VCF-style: chr4-54274956-G-C. GRCh37 (hg19) VCF-style: chr4-55141123-G-C.
Other names: c.1769G>C, p.Arg590Thr (NM_001347827.2, NM_001347829.2); c.1844G>C, p.Arg615Thr (NM_001347828.2); c.1808G>C, p.Arg603Thr (NM_001347830.2); short protein forms R590T, R603T, R615T.
Identifiers: ClinVar variation 961487 (VCV000961487.10), dbSNP rs1723640047, ClinGen allele CA356893277.
Genomic context (GRCh38, chr4:54,274,956, plus strand): 5'-ATGAATATATTTATGTGGACCCGATGCAGCTGCCTTATGACTCAAGATGGGAGTTTCCAA[G>C]AGATGGACTAGTGCTTGGTAAGTTCCATGGGGTAACCTCCCAAGACTCCCTTTTCCCTTG-3'
Protein context (NP_006197.1, residues 580-600): LPYDSRWEFP[Arg590Thr]DGLVLGRVLG

ClinVar aggregate classification (germline): Uncertain significance (1 of 4 stars; one submission).

Conditions:
Gastrointestinal stromal tumor. Also called: Gastrointestinal stromal tumor, somatic; Gastrointestinal stroma tumor. Identifiers: Orphanet 44890, MedGen C0238198, MeSH D046152, MONDO:0011719, OMIM 606764, HP:0100723.

Allele frequency attached by ClinVar (database versions not stated): gnomAD exomes below 0.00001.
gnomAD v4.1: 1 of 1,614,152 alleles (0.000062%); highest among the groups gnomAD compares: Non-Finnish European, 0.000085%; no homozygotes.

Submission:

Labcorp Genetics (formerly Invitae), Labcorp
Classification: Uncertain significance for Gastrointestinal stromal tumor. Last evaluated: 2019-08-20. Review status: criteria provided, single submitter. Criteria: Invitae Variant Classification Sherloc (09022015). Collection method: clinical testing. Allele origin: germline.
Comment: This variant has not been reported in the literature in individuals with PDGFRA-related conditions. In summary, the available evidence is currently insufficient to determine the role of this variant in disease. Therefore, it has been classified as a Variant of Uncertain Significance. Algorithms developed to predict the effect of missense changes on protein structure and function (SIFT, PolyPhen-2, Align-GVGD) all suggest that this variant is likely to be disruptive, but these predictions have not been confirmed by published functional studies and their clinical significance is uncertain. This variant is not present in population databases (ExAC no frequency). This sequence change replaces arginine with threonine at codon 590 of the PDGFRA protein (p.Arg590Thr). The arginine residue is highly conserved and there is a moderate physicochemical difference between arginine and threonine.